The following is an entry in ClinVar:

NM_001114753.3(ENG):c.1453G>A (p.Glu485Lys)

Genes: ENG (endoglin; minus strand), LOC102723566 (uncharacterized LOC102723566; plus strand). Cytogenetic location: 9q34.11.
Variant type: single nucleotide variant.
Coding change: c.1453G>A on transcript NM_001114753.3 (MANE Select); coding-DNA position 1453, G replaced by A.
Protein change: p.Glu485Lys; replaces glutamic acid 485 with lysine.
Molecular consequence: missense variant. On other transcripts: non-coding transcript variant (1).
Genome position (GRCh38, 1-based): chr9:127,818,353, C>T on the plus strand (G>A on the coding strand, the complement: ENG is on the minus strand). VCF-style: chr9-127818353-C-T. GRCh37 (hg19) VCF-style: chr9-130580632-C-T.
Other names: c.1453G>A, p.Glu485Lys (NM_000118.4); c.907G>A, p.Glu303Lys (NM_001278138.2); short protein forms E303K, E485K.
Identifiers: ClinVar variation 2149342 (VCV002149342.3), dbSNP rs997074986, ClinGen allele CA200303907.
Genomic context (GRCh38, chr9:127,818,353, plus strand): 5'-CCACGGTGCCTCCCTCAGGCCCCAAGTCCAGGTGGCAGCTGTCTAACTGGAGCAGGAACT[C>T]GGAGACGGATGGGGACACTCTGACCTGCATGGGTAGGTAGGGCCACGCGGCATGGGCAGC-3'
Protein context (NP_001108225.1, residues 475-495): VQVRVSPSVS[Glu485Lys]FLLQLDSCHL

ClinVar aggregate classification (germline): Uncertain significance (1 of 4 stars; one submission).

Conditions:
Hereditary hemorrhagic telangiectasia (HHT). Also called: ORW DISEASE; Osler Weber Rendu syndrome; OSLER-RENDU-WEBER DISEASE; Osler hemorrhagic telangiectasia syndrome. Identifiers: Orphanet 774, MedGen C0039445, MONDO:0019180. Disease mechanism: loss of function.

Allele frequency attached by ClinVar (database versions not stated): gnomAD 0.00001; gnomAD exomes 0.00001; TOPMed 0.00001.
gnomAD v4.1: 11 of 1,613,734 alleles (0.00068%); highest among the groups gnomAD compares: Admixed American, 0.0017%; no homozygotes.

Submission:

Labcorp Genetics (formerly Invitae), Labcorp
Classification: Uncertain significance for Hereditary hemorrhagic telangiectasia. Last evaluated: 2024-09-09. Review status: criteria provided, single submitter. Criteria: Invitae Variant Classification Sherloc (09022015). Collection method: clinical testing. Allele origin: germline.
Comment: This sequence change replaces glutamic acid, which is acidic and polar, with lysine, which is basic and polar, at codon 485 of the ENG protein (p.Glu485Lys). This variant is not present in population databases (gnomAD no frequency). This variant has not been reported in the literature in individuals affected with ENG-related conditions. ClinVar contains an entry for this variant (Variation ID: 2149342). Invitae Evidence Modeling of protein sequence and biophysical properties (such as structural, functional, and spatial information, amino acid conservation, physicochemical variation, residue mobility, and thermodynamic stability) has been performed for this missense variant. However, the output from this modeling did not meet the statistical confidence thresholds required to predict the impact of this variant on ENG protein function. In summary, the available evidence is currently insufficient to determine the role of this variant in disease. Therefore, it has been classified as a Variant of Uncertain Significance.